The following is an entry in ClinVar:

ClinVar aggregate classification (germline): Likely benign (1 of 4 stars; one submission).

Conditions:
ALG6-congenital disorder of glycosylation 1C (CDG1C). Also called: CARBOHYDRATE-DEFICIENT GLYCOPROTEIN SYNDROME, TYPE I, WITH DEFICIENT GLYCOSYLATION OF DOLICHOL-LINKED OLIGOSACCHARIDE; CARBOHYDRATE-DEFICIENT GLYCOPROTEIN SYNDROME, TYPE V; Congenital disorder of glycosylation type 1C; CDG Ic; Congenital disorder of glycosylation, type Ic. Identifiers: Orphanet 79320, MedGen C2930997, MONDO:0011291, OMIM 603147.

Allele frequency attached by ClinVar (database versions not stated): gnomAD exomes 0.00130; 1000 Genomes Project 0.00978; 1000 Genomes Project 30x 0.01093; gnomAD 0.01131 and 0.01221; TOPMed 0.01229.
gnomAD v4.1: 2,029 of 391,408 alleles (0.52%); highest among the groups gnomAD compares: African/African-American, 3.9%; 44 homozygotes.

Submission:

Illumina Laboratory Services, Illumina
Classification: Likely benign for ALG6-congenital disorder of glycosylation 1C. Last evaluated: 2018-01-12. Review status: criteria provided, single submitter. Criteria: ICSL Variant Classification Criteria 13 December 2019. Collection method: clinical testing. Allele origin: germline.
Comment: This variant was observed in the ICSL laboratory as part of a predisposition screen in an ostensibly healthy population. It had not been previously curated by ICSL or reported in the Human Gene Mutation Database (HGMD: prior to June 1st, 2018), and was therefore a candidate for classification through an automated scoring system. Utilizing variant allele frequency, disease prevalence and penetrance estimates, and inheritance mode, an automated score was calculated to assess if this variant is too frequent to cause the disease. Based on the score and internal cut-off values, a variant classified as likely benign is not then subjected to further curation. The score for this variant resulted in a classification of likely benign for this disease.

NM_013339.4(ALG6):c.*268C>T

Gene: ALG6 (ALG6 alpha-1,3-glucosyltransferase; plus strand). Cytogenetic location: 1p31.3.
Variant type: single nucleotide variant.
Coding change: c.*268C>T on transcript NM_013339.4 (MANE Select); 268 bases downstream of the stop codon, C replaced by T.
Molecular consequence: 3 prime UTR variant.
Genome position (GRCh38, 1-based): chr1:63,437,288, C>T. VCF-style: chr1-63437288-C-T. GRCh37 (hg19) VCF-style: chr1-63902959-C-T.
Identifiers: ClinVar variation 874547 (VCV000874547.4), dbSNP rs114111123, ClinGen allele CA23813954.